The following is an entry in ClinVar:

NM_001374259.2(IL12RB2):c.2345C>T (p.Pro782Leu)

Gene: IL12RB2 (interleukin 12 receptor subunit beta 2; plus strand). Cytogenetic location: 1p31.3.
Variant type: single nucleotide variant.
Coding change: c.2345C>T on transcript NM_001374259.2 (MANE Select); coding-DNA position 2345, C replaced by T.
Protein change: p.Pro782Leu; replaces proline 782 with leucine.
Molecular consequence: missense variant. On other transcripts: 3 prime UTR variant (3), non-coding transcript variant (2).
Genome position (GRCh38, 1-based): chr1:67,395,845, C>T. VCF-style: chr1-67395845-C-T. GRCh37 (hg19) VCF-style: chr1-67861528-C-T.
Other names: c.*265C>T (NM_001258214.1, NM_001319233.1); c.2087C>T, p.Pro696Leu (NM_001258215.1); c.*246C>T (NM_001258216.1); c.2345C>T, p.Pro782Leu (NM_001559.3); short protein forms P782L, P696L.
Identifiers: ClinVar variation 3008995 (VCV003008995.3), dbSNP rs1666319324, ClinGen allele CA340735405.

ClinVar aggregate classification (germline): Uncertain significance (1 of 4 stars; one submission).

Allele frequency attached by ClinVar (database versions not stated): TOPMed below 0.00001.

Submission:

Labcorp Genetics (formerly Invitae), Labcorp
Classification: Uncertain significance. Last evaluated: 2023-09-05. Review status: criteria provided, single submitter. Criteria: Invitae Variant Classification Sherloc (09022015). Collection method: clinical testing. Allele origin: germline.
Comment: This sequence change replaces proline, which is neutral and non-polar, with leucine, which is neutral and non-polar, at codon 782 of the IL12RB2 protein (p.Pro782Leu). This variant is not present in population databases (gnomAD no frequency). This variant has not been reported in the literature in individuals affected with IL12RB2-related conditions. Algorithms developed to predict the effect of missense changes on protein structure and function output the following: SIFT: "Not Available"; PolyPhen-2: "Benign"; Align-GVGD: "Not Available". The leucine amino acid residue is found in multiple mammalian species, which suggests that this missense change does not adversely affect protein function. In summary, the available evidence is currently insufficient to determine the role of this variant in disease. Therefore, it has been classified as a Variant of Uncertain Significance.